The following is an entry in ClinVar:

NM_001374385.1(ATP8B1):c.40G>T (p.Asp14Tyr)

Gene: ATP8B1 (ATPase phospholipid transporting 8B1; minus strand). Cytogenetic location: 18q21.31.
Variant type: single nucleotide variant.
Coding change: c.40G>T on transcript NM_001374385.1 (MANE Select); coding-DNA position 40, G replaced by T.
Protein change: p.Asp14Tyr; replaces aspartic acid 14 with tyrosine.
Molecular consequence: missense variant. On other transcripts: 5 prime UTR variant (1).
Genome position (GRCh38, 1-based): chr18:57,731,768, C>A on the plus strand (G>T on the coding strand, the complement: ATP8B1 is on the minus strand). VCF-style: chr18-57731768-C-A. GRCh37 (hg19) VCF-style: chr18-55399000-C-A.
Other names: c.-13G>T (NM_001374386.1); c.40G>T, p.Asp14Tyr (NM_005603.6); short protein forms D14Y.
Identifiers: ClinVar variation 4846681 (VCV004846681.1).

ClinVar aggregate classification (germline): Uncertain significance (1 of 4 stars; one submission).

Conditions:
Familial intrahepatic cholestasis. Identifiers: Orphanet 284385, MedGen CN296401, MONDO:0017290.

Submission:

Genomenon, Inc
Classification: Uncertain significance for Familial intrahepatic cholestasis. Last evaluated: 2026-04-14. Review status: criteria provided, single submitter. Criteria: Genomenon Sequence Variant Interpretation Standards - Updated. Collection method: curation. Allele origin: germline. Affected: no.
Comment: ATP8B1 p.Asp14Tyr (c.40G>T) is a missense variant that changes the amino acid at residue 14 from Aspartic acid to Tyrosine. This variant has been reported in the published literature (PMID:37208429). It is absent or not present at a significant frequency in gnomAD. In silico models predict that this variant is not damaging. In conclusion, we classify ATP8B1 p.Asp14Tyr (c.40G>T) as a variant of uncertain significance.

Literature cited by the submitters: PubMed 37208429.